The following is an entry in ClinVar:

ClinVar aggregate classification (germline): Uncertain significance. Review status: criteria provided, multiple submitters, no conflicts (2 of 4 stars). 2 submissions from 2 submitters: Uncertain significance (2). Last evaluated 2022-02-19.

Conditions:
Hereditary cancer-predisposing syndrome. Also called: Neoplastic Syndromes, Hereditary; Hereditary Cancer Syndrome; Tumor predisposition; Hereditary neoplastic syndrome. Identifiers: Orphanet 140162, MedGen C0027672, MeSH D009386, MONDO:0015356.
Familial cancer of breast. Also called: hereditary breast carcinoma; Hereditary breast cancer; BREAST CANCER, FAMILIAL. Identifiers: Orphanet 227535, MedGen C0346153, MONDO:0016419, OMIM 114480. Disease mechanism: loss of function.

Allele frequency attached by ClinVar (database versions not stated): gnomAD exomes below 0.00001 and 0.00001; ExAC 0.00001; gnomAD 0.00001; 1000 Genomes Project 30x 0.00016; 1000 Genomes Project 0.00020.

Submissions (2):

Labcorp Genetics (formerly Invitae), Labcorp
Classification: Uncertain significance for Familial cancer of breast. Last evaluated: 2022-02-19. Review status: criteria provided, single submitter. Criteria: Invitae Variant Classification Sherloc (09022015). Collection method: clinical testing. Allele origin: germline.
Comment: This variant is present in population databases (rs537723251, gnomAD 0.006%). This sequence change replaces leucine, which is neutral and non-polar, with phenylalanine, which is neutral and non-polar, at codon 273 of the PALB2 protein (p.Leu273Phe). This variant has not been reported in the literature in individuals affected with PALB2-related conditions. ClinVar contains an entry for this variant (Variation ID: 1038466). Algorithms developed to predict the effect of missense changes on protein structure and function (SIFT, PolyPhen-2, Align-GVGD) all suggest that this variant is likely to be tolerated. In summary, the available evidence is currently insufficient to determine the role of this variant in disease. Therefore, it has been classified as a Variant of Uncertain Significance.

Ambry Genetics
Classification: Uncertain significance for Hereditary cancer-predisposing syndrome. Last evaluated: 2022-01-07. Review status: criteria provided, single submitter. Criteria: Ambry Variant Classification Scheme 2023. Collection method: clinical testing. Allele origin: germline.
Comment: The p.L273F variant (also known as c.817C>T), located in coding exon 4 of the PALB2 gene, results from a C to T substitution at nucleotide position 817. The leucine at codon 273 is replaced by phenylalanine, an amino acid with highly similar properties. This amino acid position is not well conserved in available vertebrate species. In addition, this alteration is predicted to be tolerated by in silico analysis. Since supporting evidence is limited at this time, the clinical significance of this alteration remains unclear.

NM_024675.4(PALB2):c.817C>T (p.Leu273Phe)

Gene: PALB2 (partner and localizer of BRCA2; minus strand). Cytogenetic location: 16p12.2.
Variant type: single nucleotide variant.
Coding change: c.817C>T on transcript NM_024675.4 (MANE Select); coding-DNA position 817, C replaced by T.
Protein change: p.Leu273Phe; replaces leucine 273 with phenylalanine.
Molecular consequence: missense variant.
Genome position (GRCh38, 1-based): chr16:23,635,729, G>A on the plus strand (C>T on the coding strand, the complement: PALB2 is on the minus strand). VCF-style: chr16-23635729-G-A. GRCh37 (hg19) VCF-style: chr16-23647050-G-A.
Other names: short protein forms L273F.
Identifiers: ClinVar variation 1038466 (VCV001038466.12), dbSNP rs537723251, ClinGen allele CA7963757.
Genomic context (GRCh38, chr16:23,635,729, plus strand): 5'-CTTGTGCCTCCAAACTTACAGGTGAAGTAAATCTAATGTTTTTTAGGTCGTGAGTAGTAA[G>A]TTCACTGCTACCTTTAGGAGGAATGTGTTCAAGGTGCTGACTACTACCGCTATCTGATAG-3'
Protein context (NP_078951.2, residues 263-283): EHIPPKGSSE[Leu273Phe]TTHDLKNIRF